The following is an entry in ClinVar:

ClinVar aggregate classification (germline): Uncertain significance (1 of 4 stars; one submission).

Conditions:
Spermatogenic failure 18. Identifiers: MedGen C4539783, MONDO:0054615, OMIM 617576.
Ciliary dyskinesia, primary, 37 (CILD37). Also called: CILIARY DYSKINESIA, PRIMARY, 37, WITH OR WITHOUT SITUS INVERSUS. Identifiers: MedGen C4539798, MONDO:0033204, OMIM 617577.

Allele frequency attached by ClinVar (database versions not stated): ExAC 0.00001; gnomAD 0.00001; gnomAD exomes 0.00001; TOPMed 0.00003.
gnomAD v4.1: 5 of 1,612,004 alleles (0.00031%); highest among the groups gnomAD compares: Admixed American, 0.0017%; no homozygotes.

Submission:

Labcorp Genetics (formerly Invitae), Labcorp
Classification: Uncertain significance for Ciliary dyskinesia, primary, 37; Spermatogenic failure 18. Last evaluated: 2023-10-23. Review status: criteria provided, single submitter. Criteria: Invitae Variant Classification Sherloc (09022015). Collection method: clinical testing. Allele origin: germline.
Comment: This sequence change replaces aspartic acid, which is acidic and polar, with asparagine, which is neutral and polar, at codon 2324 of the DNAH1 protein (p.Asp2324Asn). The frequency data for this variant in the population databases is considered unreliable, as metrics indicate poor data quality at this position in the gnomAD database. This variant has not been reported in the literature in individuals affected with DNAH1-related conditions. Advanced modeling of protein sequence and biophysical properties (such as structural, functional, and spatial information, amino acid conservation, physicochemical variation, residue mobility, and thermodynamic stability) performed at Invitae indicates that this missense variant is not expected to disrupt DNAH1 protein function with a negative predictive value of 80%. In summary, the available evidence is currently insufficient to determine the role of this variant in disease. Therefore, it has been classified as a Variant of Uncertain Significance.

NM_015512.5(DNAH1):c.6970G>A (p.Asp2324Asn)

Gene: DNAH1 (dynein axonemal heavy chain 1; plus strand). Cytogenetic location: 3p21.1.
Variant type: single nucleotide variant.
Coding change: c.6970G>A on transcript NM_015512.5 (MANE Select); coding-DNA position 6970, G replaced by A.
Protein change: p.Asp2324Asn; replaces aspartic acid 2324 with asparagine.
Molecular consequence: missense variant.
Genome position (GRCh38, 1-based): chr3:52,373,038, G>A. VCF-style: chr3-52373038-G-A. GRCh37 (hg19) VCF-style: chr3-52407054-G-A.
Other names: short protein forms D2324N.
Identifiers: ClinVar variation 2925952 (VCV002925952.3), dbSNP rs748004643, ClinGen allele CA2434701.
Genomic context (GRCh38, chr3:52,373,038, plus strand): 5'-TACGGTGCACAGCCACCCATCGAGCTGTTGCGCCAGTGGATGGACCACGGCGGCTGGTAC[G>A]ACCGCAAGATCATTGGTGAGTGTGGCCGGCCTGGCTCACAGGGCAAGGGCTACGCGTGCT-3'
Protein context (NP_056327.4, residues 2314-2334): RQWMDHGGWY[Asp2324Asn]RKIIGAFKNL